The following is an entry in ClinVar:

NM_022455.5(NSD1):c.1253T>A (p.Leu418Ter)

Gene: NSD1 (nuclear receptor binding SET domain protein 1; plus strand). Cytogenetic location: 5q35.3.
Variant type: single nucleotide variant.
Coding change: c.1253T>A on transcript NM_022455.5 (MANE Select); coding-DNA position 1253, T replaced by A.
Protein change: p.Leu418Ter; replaces leucine 418 with a stop codon.
Molecular consequence: nonsense.
Genome position (GRCh38, 1-based): chr5:177,209,652, T>A. VCF-style: chr5-177209652-T-A. GRCh37 (hg19) VCF-style: chr5-176636653-T-A.
Other names: c.380T>A, p.Leu127Ter (NM_001365684.2, NM_001409306.1, NM_001409307.1 and 3 more transcripts); c.1253T>A, p.Leu418Ter (NM_001409301.1, NM_001409302.1, NM_001409303.1); c.833T>A, p.Leu278Ter (NM_001409304.1); c.500T>A, p.Leu167Ter (NM_001409305.1); short protein forms L418*, L149*, L127*, L167*, L278*.
Identifiers: ClinVar variation 953666 (VCV000953666.8), dbSNP rs1763175962, ClinGen allele CA362308179.

ClinVar aggregate classification (germline): Pathogenic (1 of 4 stars; one submission).

Submission:

Labcorp Genetics (formerly Invitae), Labcorp
Classification: Pathogenic. Last evaluated: 2019-10-18. Review status: criteria provided, single submitter. Criteria: Invitae Variant Classification Sherloc (09022015). Collection method: clinical testing. Allele origin: germline.
Comment: This variant has not been reported in the literature in individuals with NSD1-related conditions. This variant is not present in population databases (ExAC no frequency). This sequence change creates a premature translational stop signal (p.Leu418*) in the NSD1 gene. It is expected to result in an absent or disrupted protein product. Loss-of-function variants in NSD1 are known to be pathogenic (PMID: 12464997, 14571271, 15942875, 16247291). For these reasons, this variant has been classified as Pathogenic.

Literature cited by the submitters: PubMed 12464997; PubMed 14571271; PubMed 15942875; PubMed 16247291.